The following is an entry in ClinVar:

NM_031935.3(HMCN1):c.13534C>T (p.Arg4512Ter)

Gene: HMCN1 (hemicentin 1; plus strand). Cytogenetic location: 1q31.1.
Variant type: single nucleotide variant.
Coding change: c.13534C>T on transcript NM_031935.3 (MANE Select); coding-DNA position 13534, C replaced by T.
Protein change: p.Arg4512Ter; replaces arginine 4512 with a stop codon.
Molecular consequence: nonsense.
Genome position (GRCh38, 1-based): chr1:186,136,889, C>T. VCF-style: chr1-186136889-C-T. GRCh37 (hg19) VCF-style: chr1-186106021-C-T.
Other names: short protein forms R4512*.
Identifiers: ClinVar variation 2077790 (VCV002077790.4), dbSNP rs766364489, ClinGen allele CA1294673.

ClinVar aggregate classification (germline): Uncertain significance (1 of 4 stars; one submission).

gnomAD v4.1: 16 of 1,613,806 alleles (0.00099%); highest among the groups gnomAD compares: Admixed American, 0.012%; no homozygotes.

Submission:

Labcorp Genetics (formerly Invitae), Labcorp
Classification: Uncertain significance. Last evaluated: 2023-11-13. Review status: criteria provided, single submitter. Criteria: Invitae Variant Classification Sherloc (09022015). Collection method: clinical testing. Allele origin: germline.
Comment: This sequence change creates a premature translational stop signal (p.Arg4512*) in the HMCN1 gene. It is expected to result in an absent or disrupted protein product. However, the current clinical and genetic evidence is not sufficient to establish whether loss-of-function variants in HMCN1 cause disease. This variant is present in population databases (no rsID available, gnomAD 0.003%). This variant has not been reported in the literature in individuals affected with HMCN1-related conditions. ClinVar contains an entry for this variant (Variation ID: 2077790). Algorithms developed to predict the effect of sequence changes on RNA splicing suggest that this variant may disrupt the consensus splice site. In summary, the available evidence is currently insufficient to determine the role of this variant in disease. Therefore, it has been classified as a Variant of Uncertain Significance.